The following is an entry in ClinVar:

ClinVar aggregate classification (germline): Uncertain significance (1 of 4 stars; one submission).

Conditions:
Leukocyte adhesion deficiency type II. Also called: CONGENITAL DISORDER OF GLYCOSYLATION, TYPE IIc; CDG IIc; Congenital disorder of glycosylation type 2C; CDG 2C; Leukocyte adhesion deficiency type 2; Rambam Hasharon syndrome. Identifiers: Orphanet 2968, Orphanet 99843, MedGen C0398739, MONDO:0009953, OMIM 266265.

Submission:

Labcorp Genetics (formerly Invitae), Labcorp
Classification: Uncertain significance for Leukocyte adhesion deficiency type II. Last evaluated: 2020-10-19. Review status: criteria provided, single submitter. Criteria: Invitae Variant Classification Sherloc (09022015). Collection method: clinical testing. Allele origin: germline.
Comment: This variant results in a copy number gain of the genomic region encompassing the full coding sequence of the SLC35C1 gene. The boundaries of this event are unknown as they extend beyond the assayed region for this gene and therefore may encompass additional genes. As the precise location of this event is unknown, it may be in tandem or it may be located elsewhere in the genome. This variant has not been reported in the literature in individuals with SLC35C1-related conditions. In summary, the available evidence is currently insufficient to determine the role of this variant in disease. Therefore, it has been classified as a Variant of Uncertain Significance.

NC_000011.9:g.(?_45827353)_(47804770_?)dup

Genes: NDUFS3 (NADH:ubiquinone oxidoreductase core subunit S3; plus strand), MADD-AS1 (MADD antisense RNA 1; minus strand), CKAP5 (cytoskeleton associated protein 5; minus strand), MYBPC3 (myosin binding protein C3; minus strand), C1QTNF4 (C1q and TNF related 4; minus strand) and 37 more. Cytogenetic location: 11p11.2.
Variant type: Duplication.
Identifiers: ClinVar variation 1000344 (VCV001000344.1).